The following is an entry in ClinVar:

ClinVar aggregate classification (germline): Pathogenic/Likely pathogenic. Review status: criteria provided, multiple submitters, no conflicts (2 of 4 stars). 3 submissions from 3 submitters: Pathogenic (2); Likely pathogenic (1). Last evaluated 2025-06-18.

Conditions:
Galactosemia. Also called: Galactose intolerance. Identifiers: Orphanet 352, MedGen C0016952, MONDO:0018116, HP:0004919. Disease mechanism: loss of function.
Deficiency of UDPglucose-hexose-1-phosphate uridylyltransferase. Also called: GALACTOSE-1-PHOSPHATE URIDYLYLTRANSFERASE DEFICIENCY; GALT deficiency; Galactosemia, classic; Transferase Deficiency Galactosemia; GALACTOSEMIA I. Identifiers: Orphanet 352, Orphanet 79239, MedGen C0268151, MONDO:0009258, OMIM 230400.

Submissions (3):

GeneDx
Classification: Pathogenic. Last evaluated: 2025-06-18. Review status: criteria provided, single submitter. Criteria: GeneDx Variant Classification Process June 2021. Collection method: clinical testing. Allele origin: germline. Affected: yes.
Comment: Initiation codon variant in a gene for which loss of function is a known mechanism of disease; Not observed at significant frequency in large population cohorts (gnomAD); Has not been previously published as pathogenic or benign to our knowledge; This variant is associated with the following publications: (PMID: 31194252, 27176039)

Natera, Inc.
Classification: Likely pathogenic for Galactosemia. Last evaluated: 2024-05-15. Review status: criteria provided, single submitter. Criteria: Natera Variant Classification Schema (03/2026). Collection method: clinical testing. Allele origin: germline.
Comment: The c.1A>G variant in GALT is predicted to result in start loss due to disruption of the initiator methionine. This variant is expected to result in nonsense mediated decay, truncation, or a dysfunctional protein product. This variant is rare in the general population with a frequency below the threshold expected for the associated phenotype(s). Given the available evidence, this variant is classified as Likely Pathogenic.

Labcorp Genetics (formerly Invitae), Labcorp
Classification: Pathogenic for Deficiency of UDPglucose-hexose-1-phosphate uridylyltransferase. Last evaluated: 2023-04-20. Review status: criteria provided, single submitter. Criteria: Invitae Variant Classification Sherloc (09022015). Collection method: clinical testing. Allele origin: germline.
Comment: This sequence change affects the initiator methionine of the GALT mRNA. The next in-frame methionine is located at codon 49. This variant is not present in population databases (gnomAD no frequency). Disruption of the initiator codon has been observed in individuals with galactosemia (PMID: 27176039, 31194252; Invitae). It has also been observed to segregate with disease in related individuals. ClinVar contains an entry for this variant (Variation ID: 25112). This variant disrupts the p.Tyr34 amino acid residue in GALT. Other variant(s) that disrupt this residue have been determined to be pathogenic (PMID: 22461411, 25592817). This suggests that this residue is clinically significant, and that variants that disrupt this residue are likely to be disease-causing. For these reasons, this variant has been classified as Pathogenic.

Literature cited by the submitters: PubMed 27176039 (cited by Labcorp Genetics (formerly Invitae), Labcorp); PubMed 31194252 (cited by Labcorp Genetics (formerly Invitae), Labcorp); PubMed 22461411 (cited by Labcorp Genetics (formerly Invitae), Labcorp); PubMed 25592817 (cited by Labcorp Genetics (formerly Invitae), Labcorp).

NM_000155.4(GALT):c.1A>G (p.Met1Val)

Gene: GALT (galactose-1-phosphate uridylyltransferase; plus strand). Cytogenetic location: 9p13.3.
Variant type: single nucleotide variant.
Coding change: c.1A>G on transcript NM_000155.4 (MANE Select); coding-DNA position 1, A replaced by G.
Protein change: p.Met1Val; changes the start codon (methionine 1).
Molecular consequence: missense variant, initiator codon variant. On other transcripts: 5 prime UTR variant (1).
Genome position (GRCh38, 1-based): chr9:34,646,705, A>G. VCF-style: chr9-34646705-A-G. GRCh37 (hg19) VCF-style: chr9-34646702-A-G.
Other names: c.-202A>G (NM_001258332.2); c.1A>G (NM_000155.2).
Identifiers: ClinVar variation 25112 (VCV000025112.14), dbSNP rs111033639, ClinGen allele CA259306.
Genomic context (GRCh38, chr9:34,646,705, plus strand): 5'-GAGAAAGTGAAAGGTGAGGCACGGCCCTGCAGATTTTCCAGCGGATCCCCCGGTGGCCTC[A>G]TGTCGCGCAGTGGAACCGATCCTCAGCAACGCCAGCAGGCGTCAGAGGCGGACGCCGCAG-3'
Protein context (NP_000146.2, residues 1-11): [Met1Val]SRSGTDPQQR